The following is an entry in ClinVar:

ClinVar aggregate classification (germline): Uncertain significance (1 of 4 stars; one submission).

Conditions:
LAMA2-related muscular dystrophy (LAMA2-RD). Also called: Laminin alpha 2-related dystrophy. Identifiers: MedGen C5679788, MONDO:0100228.

Allele frequency attached by ClinVar (database versions not stated): ExAC 0.00001; gnomAD exomes 0.00001; TOPMed 0.00002; ESP Exome Variant Server 0.00008.
gnomAD v4.1: 16 of 1,589,924 alleles (0.001%); highest among the groups gnomAD compares: East Asian, 0.0045%; no homozygotes.

Submission:

Labcorp Genetics (formerly Invitae), Labcorp
Classification: Uncertain significance for LAMA2-related muscular dystrophy. Last evaluated: 2022-09-27. Review status: criteria provided, single submitter. Criteria: Invitae Variant Classification Sherloc (09022015). Collection method: clinical testing. Allele origin: germline.
Comment: This sequence change replaces asparagine, which is neutral and polar, with serine, which is neutral and polar, at codon 1850 of the LAMA2 protein (p.Asn1850Ser). This variant is present in population databases (rs138983455, gnomAD 0.003%). This variant has not been reported in the literature in individuals affected with LAMA2-related conditions. ClinVar contains an entry for this variant (Variation ID: 1394826). Advanced modeling of protein sequence and biophysical properties (such as structural, functional, and spatial information, amino acid conservation, physicochemical variation, residue mobility, and thermodynamic stability) performed at Invitae indicates that this missense variant is not expected to disrupt LAMA2 protein function. In summary, the available evidence is currently insufficient to determine the role of this variant in disease. Therefore, it has been classified as a Variant of Uncertain Significance.

NM_000426.4(LAMA2):c.5549A>G (p.Asn1850Ser)

Gene: LAMA2 (laminin subunit alpha 2; plus strand). Cytogenetic location: 6q22.33.
Variant type: single nucleotide variant.
Coding change: c.5549A>G on transcript NM_000426.4 (MANE Select); coding-DNA position 5549, A replaced by G.
Protein change: p.Asn1850Ser; replaces asparagine 1850 with serine.
Molecular consequence: missense variant.
Genome position (GRCh38, 1-based): chr6:129,401,327, A>G. VCF-style: chr6-129401327-A-G. GRCh37 (hg19) VCF-style: chr6-129722472-A-G.
Other names: c.5549A>G, p.Asn1850Ser (NM_001079823.2); short protein forms N1850S.
Identifiers: ClinVar variation 1394826 (VCV001394826.3), dbSNP rs138983455, ClinGen allele CA3993909.